The following is an entry in ClinVar:

NM_003873.7(NRP1):c.1788C>T (p.Asn596=)

Gene: NRP1 (neuropilin 1; minus strand). Cytogenetic location: 10p11.22.
Variant type: single nucleotide variant.
Coding change: c.1788C>T on transcript NM_003873.7 (MANE Select); coding-DNA position 1788, C replaced by T.
Protein change: p.Asn596=; no amino-acid change (asparagine 596 retained).
Molecular consequence: synonymous variant. On other transcripts: non-coding transcript variant (1), intron variant (1).
Genome position (GRCh38, 1-based): chr10:33,202,967, G>A on the plus strand (C>T on the coding strand, the complement: NRP1 is on the minus strand). VCF-style: chr10-33202967-G-A. GRCh37 (hg19) VCF-style: chr10-33491895-G-A.
Other names: c.1788C>T, p.Asn596= (NM_001024628.3, NM_001244972.2, NM_001244973.2 and 1 more transcripts); c.1759+4605C>T (NM_001024629.3).
Identifiers: ClinVar variation 3049138 (VCV003049138.2), dbSNP rs147055093, ClinGen allele CA5466434.

ClinVar aggregate classification (germline): Likely benign (0 of 4 stars; one submission).

Conditions:
NRP1-related disorder. Also called: NRP1-related condition.

Allele frequency attached by ClinVar (database versions not stated): gnomAD 0.00007; ESP Exome Variant Server 0.00008; 1000 Genomes Project 30x 0.00016; 1000 Genomes Project 0.00020; ExAC 0.00022.
gnomAD v4.1: 167 of 1,614,082 alleles (0.01%); highest among the groups gnomAD compares: Admixed American, 0.11%; 1 homozygote.

Submission:

PreventionGenetics, part of Exact Sciences
Classification: Likely benign for NRP1-related condition. Last evaluated: 2019-11-26. Review status: no assertion criteria provided. Collection method: clinical testing. Allele origin: germline.
Comment: This variant is classified as likely benign based on ACMG/AMP sequence variant interpretation guidelines (Richards et al. 2015 PMID: 25741868, with internal and published modifications).